The following is an entry in ClinVar:

NM_005548.3(KARS1):c.63-2739G>A

Gene: KARS1 (lysyl-tRNA synthetase 1; minus strand). Cytogenetic location: 16q23.1.
Variant type: single nucleotide variant.
Coding change: c.63-2739G>A on transcript NM_005548.3 (MANE Select); 2739 bases into the intron before coding-DNA position 63, G replaced by A.
Molecular consequence: intron variant. On other transcripts: 5 prime UTR variant (1).
Genome position (GRCh38, 1-based): chr16:75,644,462, C>T on the plus strand (G>A on the coding strand, the complement: KARS1 is on the minus strand). VCF-style: chr16-75644462-C-T. GRCh37 (hg19) VCF-style: chr16-75678360-C-T.
Other names: c.-34G>A (NM_001130089.2); c.-406-2739G>A (NM_001378148.1).
Identifiers: ClinVar variation 1706716 (VCV001706716.2), dbSNP rs751038220, ClinGen allele CA284326580.
Genomic context (GRCh38, chr16:75,644,462, plus strand): 5'-AAGCCTTACAGCAGCTTGCGTCAACATGGCAGAGCACCCTGGAACTAATGATTACCACCA[C>T]CTAGCGGGAAACACAGAGATGTGGTGTCAGATGGGACAGACAGTATACATATACCCAACC-3'

ClinVar aggregate classification (germline): Uncertain significance (1 of 4 stars; one submission).

Allele frequency attached by ClinVar (database versions not stated): gnomAD 0.00001; TOPMed 0.00001.
gnomAD v4.1: 21 of 1,587,532 alleles (0.0013%); highest among the groups gnomAD compares: Non-Finnish European, 0.0018%; no homozygotes.

Submission:

GeneDx
Classification: Uncertain significance. Last evaluated: 2022-03-22. Review status: criteria provided, single submitter. Criteria: GeneDx Variant Classification Process June 2021. Collection method: clinical testing. Allele origin: germline. Affected: yes.
Comment: Not observed at significant frequency in large population cohorts (gnomAD); Has not been previously published as pathogenic or benign to our knowledge; In-silico analysis is inconclusive as to whether the variant alters gene splicing. In the absence of RNA/functional studies, the actual effect of this sequence change is unknown.